The following is an entry in ClinVar:

NM_000038.6(APC):c.1312+1056A>C

Gene: APC (APC regulator of WNT signaling pathway; plus strand). Cytogenetic location: 5q22.2.
Variant type: single nucleotide variant.
Coding change: c.1312+1056A>C on transcript NM_000038.6 (MANE Select); 1056 bases into the intron after coding-DNA position 1312, A replaced by C.
Molecular consequence: intron variant.
Genome position (GRCh38, 1-based): chr5:112,820,400, A>C. VCF-style: chr5-112820400-A-C. GRCh37 (hg19) VCF-style: chr5-112156097-A-C.
Other names: c.1312+1056A>C (NM_001354895.2, NM_001127510.3, NM_001354896.2); c.1342+1056A>C (NM_001354897.2); c.1039+1056A>C (NM_001354902.2); c.1258+1056A>C (NM_001127511.3); c.1237+1056A>C (NM_001354898.2); c.934+1056A>C (NM_001354904.2); c.463+1056A>C (NM_001354906.2); c.1009+1056A>C (NM_001354903.2); and 3 more.
Identifiers: ClinVar variation 82570 (VCV000082570.2), dbSNP rs76044691, ClinGen allele CA004172.

ClinVar aggregate classification (germline): other (0 of 4 stars; one submission).

Conditions:
Familial colorectal cancer. Identifiers: MedGen CN280943, MONDO:0023113. Disease mechanism: loss of function.

Submission:

Systems Biology Platform Zhejiang California International NanoSystems Institute
Classification: other for Familial colorectal cancer. Review status: no assertion criteria provided. Collection method: not provided. Allele origin: unknown.
ClinVar note: Converted during submission from cancer to other.